The following is an entry in ClinVar:

ClinVar aggregate classification (germline): Conflicting classifications of pathogenicity. Review status: criteria provided, conflicting classifications (1 of 4 stars). 9 submissions from 9 submitters: Uncertain significance (8); Likely benign (1). Last evaluated 2026-07-23.

Conditions:
Cardiovascular phenotype. Identifiers: MedGen CN230736.
NEXN-related disorder. Also called: NEXN-related disorders; NEXN-related condition.
Dilated cardiomyopathy 1CC (CMD1CC). Identifiers: Orphanet 154, MedGen C2751084, MONDO:0013147, OMIM 613122.
Hypertrophic cardiomyopathy 20. Identifiers: MedGen C3151267, MONDO:0013477, OMIM 613876.
Cardiomyopathy (CMYO). Also called: Cardiomyopathies. Identifiers: Orphanet 167848, MedGen C0878544, MONDO:0004994, HP:0001638. Inheritance: Various modes of inheritance.
Primary dilated cardiomyopathy (DCM). Also called: Dilated Cardiomyopathy. Identifiers: Orphanet 217604, MedGen C0007193, MeSH D002311, MONDO:0005021, HP:0001644. Inheritance: Various modes of inheritance.

Allele frequency attached by ClinVar (database versions not stated): TOPMed 0.00008; gnomAD 0.00007; ESP Exome Variant Server 0.00008.
gnomAD v4.1: 721 of 1,611,544 alleles (0.045%); highest among the groups gnomAD compares: Non-Finnish European, 0.059%; no homozygotes.

Submissions (9):

PreventionGenetics, part of Exact Sciences
Classification: Uncertain significance for NEXN-related condition. Last evaluated: 2026-07-23. Review status: criteria provided, single submitter. Criteria: ACMG Guidelines, 2015. Collection method: clinical testing. Allele origin: germline.
Comment: The NEXN c.586C>T variant is predicted to result in the amino acid substitution p.Arg196Cys. This variant has been reported as uncertain in individuals with dilated cardiomyopathy (referred to as Arg132Cys in transcript NM_001172309, Table S3, Bagnall et al. 2017. PubMed ID: 28333919; Supplemental Table 3, Mazzarotto et al. 2020. PubMed ID: 31983221). This variant is reported in 0.019% of alleles in individuals of European (Non-Finnish) descent in gnomAD. At this time, the clinical significance of this variant is uncertain due to the absence of conclusive functional and genetic evidence.

Ambry Genetics
Classification: Uncertain significance for Cardiovascular phenotype. Last evaluated: 2026-07-13. Review status: criteria provided, single submitter. Criteria: Ambry Variant Classification Scheme 2023. Collection method: clinical testing. Allele origin: germline.

Mayo Clinic Laboratories, Mayo Clinic
Classification: Likely benign. Last evaluated: 2025-09-25. Review status: criteria provided, single submitter. Criteria: ACMG Guidelines, 2015. Collection method: clinical testing. Allele origin: germline. Observed: 1 variant allele.
Comment: BS1, BP4

GeneDx
Classification: Uncertain significance. Last evaluated: 2025-02-19. Review status: criteria provided, single submitter. Criteria: GeneDx Variant Classification Process June 2021. Collection method: clinical testing. Allele origin: germline. Affected: yes.
Comment: Has been reported in individuals with dilated cardiomyopathy (DCM) (PMID: 31983221, 36277766); Reported in a patient with cardiomyopathy and atrial fibrillation who experienced sudden cardiac death, however, this patient also harbored a potentially disease-causing variant in the LMNA gene (PMID: 28333919); In silico analysis supports that this missense variant has a deleterious effect on protein structure/function; This variant is associated with the following publications: (PMID: 30354306, 36277766, 31983221, 28333919)

Molecular Genetics, Royal Melbourne Hospital
Classification: Uncertain significance for Primary dilated cardiomyopathy. Last evaluated: 2023-03-30. Review status: criteria provided, single submitter. Criteria: ACMG Guidelines, 2015. Collection method: clinical testing. Allele origin: germline. Affected: yes.
Comment: This sequence change in NEXN is predicted to replace arginine with cysteine at codon 196, p.(Arg196Cys). The arginine residue is moderately conserved (100 vertebrates, UCSC), and is located in a coiled-coil region. There is a large physicochemical difference between arginine and cysteine. The highest population minor allele frequency in gnomAD v2.1 is 0.02% (24/128,070 alleles) in the European (non-Finnish) population. The prevalence of the variant in affected individuals is significantly increased compared with the prevalence in controls (odds ratio 4.9, 95% CI 1.2-20.7) (cases - PMID: 31983221; controls - European non-TOPMED gnomAD v2.1). This variant has been observed in at least two patients with an alternate molecular basis for disease, a long QT syndrome case with a de novo CALM2 variant and a dilated cardiomyopathy case with a pathogenic LMNA variant (PMID: 28333919, 30354306). Multiple lines of computational evidence have conflicting predictions for the missense substitution (4/6 algorithms predict deleterious). Based on the classification scheme RMH Modified ACMG Guidelines v1.4.0, this variant is classified as a VARIANT OF UNCERTAIN SIGNIFICANCE. Following criteria are met: PS4_Moderate, BP5.

Labcorp Genetics (formerly Invitae), Labcorp
Classification: Uncertain significance for Dilated cardiomyopathy 1CC; Hypertrophic cardiomyopathy 20. Last evaluated: 2022-10-05. Review status: criteria provided, single submitter. Criteria: Invitae Variant Classification Sherloc (09022015). Collection method: clinical testing. Allele origin: germline.
Comment: This sequence change replaces arginine, which is basic and polar, with cysteine, which is neutral and slightly polar, at codon 196 of the NEXN protein (p.Arg196Cys). This variant is present in population databases (rs369486891, gnomAD 0.02%). This missense change has been observed in individual(s) with dilated cardiomyopathy (PMID: 28333919, 31983221). ClinVar contains an entry for this variant (Variation ID: 179003). Advanced modeling of protein sequence and biophysical properties (such as structural, functional, and spatial information, amino acid conservation, physicochemical variation, residue mobility, and thermodynamic stability) has been performed at Invitae for this missense variant, however the output from this modeling did not meet the statistical confidence thresholds required to predict the impact of this variant on NEXN protein function. In summary, the available evidence is currently insufficient to determine the role of this variant in disease. Therefore, it has been classified as a Variant of Uncertain Significance.

CHEO Genetics Diagnostic Laboratory, Children's Hospital of Eastern Ontario
Classification: Uncertain significance for Cardiomyopathy. Last evaluated: 2022-07-06. Review status: criteria provided, single submitter. Criteria: ACMG Guidelines, 2015. Collection method: clinical testing. Allele origin: germline. Study: Canadian Open Genetics Repository.

Fulgent Genetics
Classification: Uncertain significance for Dilated cardiomyopathy 1CC; Hypertrophic cardiomyopathy 20. Last evaluated: 2021-08-19. Review status: criteria provided, single submitter. Criteria: ACMG Guidelines, 2015. Collection method: clinical testing. Allele origin: unknown.

Laboratory for Molecular Medicine, Mass General Brigham Personalized Medicine
Classification: Uncertain significance. Last evaluated: 2013-06-12. Review status: criteria provided, single submitter. Criteria: LMM Criteria. Collection method: clinical testing. Allele origin: germline. Observed: 1 variant allele.
Comment: The Arg196Cys in NEXN has not been reported in individuals with cardiomyopathy, but has been identified in 1/8146 European American chromosomes by the NHLBI Exo me Sequencing Project. The affected amino ac id is not well conserved in evolution, raising the possibility that a change wou ld be tolerated. Other computational analyses (biochemical amino acid propertie s, AlignGVGD, PolyPhen2, and SIFT) do not provide strong support for or against an impact to the protein. Additional information is needed to fully assess the c linical significance of this variant.

Literature cited by the submitters: PubMed 28333919 (cited by 3 submitters); PubMed 31983221 (cited by 3 submitters); PubMed 36277766 (cited by Mayo Clinic Laboratories, Mayo Clinic); PubMed 30354306 (cited by Molecular Genetics, Royal Melbourne Hospital).

NM_144573.4(NEXN):c.586C>T (p.Arg196Cys)

Gene: NEXN (nexilin F-actin binding protein; plus strand). Cytogenetic location: 1p31.1.
Variant type: single nucleotide variant.
Coding change: c.586C>T on transcript NM_144573.4 (MANE Select); coding-DNA position 586, C replaced by T.
Protein change: p.Arg196Cys; replaces arginine 196 with cysteine.
Molecular consequence: missense variant.
Genome position (GRCh38, 1-based): chr1:77,926,510, C>T. VCF-style: chr1-77926510-C-T. GRCh37 (hg19) VCF-style: chr1-78392195-C-T.
Other names: c.394C>T, p.Arg132Cys (NM_001172309.2); short protein forms R196C, R132C.
Identifiers: ClinVar variation 179003 (VCV000179003.28), dbSNP rs369486891, ClinGen allele CA183471.
Genomic context (GRCh38, chr1:77,926,510, plus strand): 5'-GTCAAATCATATAAAACATCTGGAAAAATGAAAAAGAATTTTGAGGATCTAGAAAAAGAA[C>T]GTGAAGAGAAAGAAAGGATCAAGTACGAGGAAGATAAAAGAATAAGATATGAAGAACAAC-3'
Protein context (NP_653174.3, residues 186-206): KKNFEDLEKE[Arg196Cys]EEKERIKYEE